The following is an entry in ClinVar:

ClinVar aggregate classification (germline): Benign/Likely benign. Review status: criteria provided, multiple submitters, no conflicts (2 of 4 stars). 17 submissions from 14 submitters: Benign (7); Likely benign (7). 3 of the submissions do not count toward it. Last evaluated 2026-01-27.

Conditions:
TTN-related disorder. Also called: TTN-related condition; TTN-related disease; TTN-related disorders.
Cardiovascular phenotype. Identifiers: MedGen CN230736.
Autosomal recessive limb-girdle muscular dystrophy type 2J (LGMDR10). Also called: Limb-girdle muscular dystrophy, type 2J; MUSCULAR DYSTROPHY, LIMB-GIRDLE, AUTOSOMAL RECESSIVE 10. Identifiers: Orphanet 140922, MedGen C1837342, MONDO:0012127, OMIM 608807.
Dilated cardiomyopathy 1G (CMD1G). Identifiers: Orphanet 154, MedGen C1858763, MONDO:0011400, OMIM 604145.
Early-onset myopathy with fatal cardiomyopathy (CMYO5). Also called: Salih Myopathy; CONGENITAL MYOPATHY 5 WITH CARDIOMYOPATHY. Identifiers: Orphanet 289377, MedGen C2673677, MONDO:0012714, OMIM 611705. Disease mechanism: loss of function.
Myopathy, myofibrillar, 9, with early respiratory failure (MFM9). Also called: Hereditary myopathy with early respiratory failure; EDSTROM MYOPATHY; MYOPATHY, PROXIMAL, WITH EARLY RESPIRATORY MUSCLE INVOLVEMENT; Myopathy, distal, with early respiratory failure, autosomal dominant. Identifiers: Orphanet 178464, Orphanet 34521, MedGen C1863599, MONDO:0011362, OMIM 603689.
Tibial muscular dystrophy (TMD). Also called: UDD MYOPATHY; Udd Distal Myopathy – Tibial Muscular Dystrophy; Tibial muscular dystrophy, tardive. Identifiers: Orphanet 609, MedGen C1838244, MONDO:0010870, OMIM 600334.

Allele frequency attached by ClinVar (database versions not stated): gnomAD exomes 0.00013 and 0.00042; ExAC 0.00052; gnomAD 0.00127 and 0.00133; TOPMed 0.00139; 1000 Genomes Project 0.00160; ESP Exome Variant Server 0.00185; 1000 Genomes Project 30x 0.00203.
gnomAD v4.1: 385 of 1,613,784 alleles (0.024%); highest among the groups gnomAD compares: African/African-American, 0.39%; 1 homozygote.

Submissions (17):

Labcorp Genetics (formerly Invitae), Labcorp
Classification: Benign for Dilated cardiomyopathy 1G; Autosomal recessive limb-girdle muscular dystrophy type 2J. Last evaluated: 2026-01-27. Review status: criteria provided, single submitter. Criteria: Invitae Variant Classification Sherloc (09022015). Collection method: clinical testing. Allele origin: germline.

Molecular Diagnostic Laboratory for Inherited Cardiovascular Disease, Montreal Heart Institute
Classification: Benign. Last evaluated: 2025-04-09. Review status: criteria provided, single submitter. Criteria: ACMG Guidelines, 2015. Collection method: clinical testing. Allele origin: germline. Affected: no.
Comment: BS1;BP1;BP6

Women's Health and Genetics/Laboratory Corporation of America, LabCorp
Classification: Likely benign. Last evaluated: 2025-01-30. Review status: criteria provided, single submitter. Criteria: LabCorp Variant Classification Summary - May 2015. Collection method: clinical testing. Allele origin: germline.
Comment: Variant summary: TTN c.10361-1671G>A in NM_133378 intron 45, also reported as to NM_001267550:c.13202G>A (p.Arg4401Gln) in exon 48, is located at a position not widely known to affect splicing. The variant allele was found at a frequency of 0.00024 in 1613784 control chromosomes, predominantly at a frequency of 0.0039 within the African or African-American subpopulation in the gnomAD database, including 1 homozygote. The observed variant frequency within African or African-American control individuals in the gnomAD database exceeds the estimated maximal expected allele frequency for a pathogenic variant in TTN causing an Autosomal Recessive Titinopathy phenotype. The variant has been reported in the literature in individuals affected with Dilated Cardiomyopathy, but was also found in controls and was considered to be a polymorphism (Itoh-Satoh_2002). This report does not provide unequivocal conclusions about association of the variant with Autosomal Recessive Titinopathy or other TTN-related disorders. To our knowledge, no experimental evidence demonstrating an impact on protein function has been reported. The following publication has been ascertained in the context of this evaluation (PMID: 11846417). ClinVar contains an entry for this variant (Variation ID: 47835). Based on the evidence outlined above, the variant was classified as likely benign.

Blueprint Genetics
Classification: Likely benign. Last evaluated: 2024-11-11. Review status: criteria provided, single submitter. Criteria: ACMG Guidelines, 2015. Collection method: clinical testing. Allele origin: germline.

Genome-Nilou Lab
Classification: Benign for Autosomal recessive limb-girdle muscular dystrophy type 2J. Last evaluated: 2021-09-10. Review status: criteria provided, single submitter. Criteria: ACMG Guidelines, 2015. Collection method: clinical testing. Allele origin: germline. Affected: no.

Genome-Nilou Lab
Classification: Benign for Myopathy, myofibrillar, 9, with early respiratory failure. Last evaluated: 2021-09-10. Review status: criteria provided, single submitter. Criteria: ACMG Guidelines, 2015. Collection method: clinical testing. Allele origin: germline. Affected: no.

Genome-Nilou Lab
Classification: Benign for Early-onset myopathy with fatal cardiomyopathy. Last evaluated: 2021-09-10. Review status: criteria provided, single submitter. Criteria: ACMG Guidelines, 2015. Collection method: clinical testing. Allele origin: germline. Affected: no.

Genome-Nilou Lab
Classification: Benign for Tibial muscular dystrophy. Last evaluated: 2021-09-10. Review status: criteria provided, single submitter. Criteria: ACMG Guidelines, 2015. Collection method: clinical testing. Allele origin: germline. Affected: no.

ARUP Laboratories, Molecular Genetics and Genomics, ARUP Laboratories
Classification: Likely benign. Last evaluated: 2021-07-10. Review status: criteria provided, single submitter. Criteria: ARUP Molecular Germline Variant Investigation Process 2021. Collection method: clinical testing. Allele origin: germline.

GeneDx
Classification: Likely benign. Last evaluated: 2021-04-29. Review status: criteria provided, single submitter. Criteria: GeneDx Variant Classification Process June 2021. Collection method: clinical testing. Allele origin: germline. Affected: yes.
Comment: This variant is associated with the following publications: (PMID: 25363768)

Ambry Genetics
Classification: Likely benign for Cardiovascular phenotype. Last evaluated: 2018-08-14. Review status: criteria provided, single submitter. Criteria: Ambry Variant Classification Scheme 2023. Collection method: clinical testing. Allele origin: germline.

Athena Diagnostics
Classification: Benign. Last evaluated: 2016-10-28. Review status: criteria provided, single submitter. Criteria: Athena Diagnostics Criteria. Collection method: clinical testing. Allele origin: germline.

Eurofins Ntd Llc (ga)
Classification: Likely benign. Last evaluated: 2015-08-21. Review status: criteria provided, single submitter. Criteria: EGL Classification Definitions 2015. Collection method: clinical testing. Allele origin: germline. Observed: 1 variant allele, 1 heterozygote.

Laboratory for Molecular Medicine, Mass General Brigham Personalized Medicine
Classification: Likely benign. Last evaluated: 2012-01-24. Review status: criteria provided, single submitter. Criteria: LMM Criteria. Collection method: clinical testing. Allele origin: germline. Observed: 3 variant alleles.
Comment: Arg4163Gln in exon 45B of TTN: This variant is not expected to have clinical sig nificance because it has been identified in 0.5% (15/3002) of African American c hromosomes by the NHLBI Exome Sequencing Project in a broad population. Arg4163Gln in exon 45B of TTN (allele frequency = 0. 5%, 15/3002) **

PreventionGenetics, part of Exact Sciences
Classification: Likely benign for TTN-related condition. Last evaluated: 2020-01-27. Review status: no assertion criteria provided. Collection method: clinical testing. Allele origin: germline. Not counted in ClinVar's aggregate classification.
Comment: This variant is classified as likely benign based on ACMG/AMP sequence variant interpretation guidelines (Richards et al. 2015 PMID: 25741868, with internal and published modifications).

Clinical Genetics, Academic Medical Center
Classification: Benign. Review status: no assertion criteria provided. Collection method: clinical testing. Allele origin: germline. Affected: yes. Study: VKGL Data-share Consensus. Not counted in ClinVar's aggregate classification.

Laboratory of Diagnostic Genome Analysis, Leiden University Medical Center (LUMC)
Classification: Likely benign. Review status: no assertion criteria provided. Collection method: clinical testing. Allele origin: germline. Affected: yes. Study: VKGL Data-share Consensus. Not counted in ClinVar's aggregate classification.

Literature cited by the submitters: PubMed 11846417 (cited by Women's Health and Genetics/Laboratory Corporation of America, LabCorp and Athena Diagnostics); PubMed 25363768 (cited by Ambry Genetics).

NM_001267550.2(TTN):c.13202G>A (p.Arg4401Gln)

Gene: TTN (titin; minus strand). Cytogenetic location: 2q31.2.
Variant type: single nucleotide variant.
Coding change: c.13202G>A on transcript NM_001267550.2 (MANE Select); coding-DNA position 13202, G replaced by A.
Protein change: p.Arg4401Gln; replaces arginine 4401 with glutamine.
Molecular consequence: missense variant. On other transcripts: intron variant (1).
Genome position (GRCh38, 1-based): chr2:178,740,031, C>T on the plus strand (G>A on the coding strand, the complement: TTN is on the minus strand). VCF-style: chr2-178740031-C-T. GRCh37 (hg19) VCF-style: chr2-179604758-C-T.
Other names: p.R4084Q:CGG>CAG; c.12251G>A, p.Arg4084Gln (NM_001256850.1); c.12113G>A, p.Arg4038Gln (NM_003319.4); c.12488G>A, p.Arg4163Gln (NM_133432.3); c.12689G>A, p.Arg4230Gln (NM_133437.4); c.10361-1671G>A (NM_133378.4); short protein forms R4401Q, R4163Q, R4084Q, R4038Q, R4230Q.
Identifiers: ClinVar variation 47835 (VCV000047835.41), dbSNP rs200431386, ClinGen allele CA142012.